The following is an entry in ClinVar:

ClinVar aggregate classification (germline): Uncertain significance (1 of 4 stars; one submission).

Conditions:
CHARGE syndrome (CHARGE). Also called: Hittner Hirsch Kreh syndrome; CHARGE ASSOCIATION--COLOBOMA, HEART ANOMALY, CHOANAL ATRESIA, RETARDATION, GENITAL AND EAR ANOMALIES; Coloboma, heart anomaly, choanal atresia, retardation, genital and ear anomalies; CHARGE association; Hall-Hittner syndrome. Identifiers: Orphanet 138, MedGen C0265354, MONDO:0008965.

gnomAD v4.1: 1 of 1,612,418 alleles (0.000062%); highest among the groups gnomAD compares: Non-Finnish European, 0.000085%; no homozygotes.

Submission:

Labcorp Genetics (formerly Invitae), Labcorp
Classification: Uncertain significance for CHARGE syndrome. Last evaluated: 2022-12-16. Review status: criteria provided, single submitter. Criteria: Invitae Variant Classification Sherloc (09022015). Collection method: clinical testing. Allele origin: germline.
Comment: In summary, the available evidence is currently insufficient to determine the role of this variant in disease. Therefore, it has been classified as a Variant of Uncertain Significance. Advanced modeling of protein sequence and biophysical properties (such as structural, functional, and spatial information, amino acid conservation, physicochemical variation, residue mobility, and thermodynamic stability) performed at Invitae indicates that this missense variant is not expected to disrupt CHD7 protein function. This variant has not been reported in the literature in individuals affected with CHD7-related conditions. This variant is not present in population databases (gnomAD no frequency). This sequence change replaces alanine, which is neutral and non-polar, with proline, which is neutral and non-polar, at codon 1840 of the CHD7 protein (p.Ala1840Pro).

NM_017780.4(CHD7):c.5518G>C (p.Ala1840Pro)

Gene: CHD7 (chromodomain helicase DNA binding protein 7; plus strand). Cytogenetic location: 8q12.2.
Variant type: single nucleotide variant.
Coding change: c.5518G>C on transcript NM_017780.4 (MANE Select); coding-DNA position 5518, G replaced by C.
Protein change: p.Ala1840Pro; replaces alanine 1840 with proline.
Molecular consequence: missense variant. On other transcripts: intron variant (1).
Genome position (GRCh38, 1-based): chr8:60,850,606, G>C. VCF-style: chr8-60850606-G-C. GRCh37 (hg19) VCF-style: chr8-61763165-G-C.
Other names: c.1717-11623G>C (NM_001316690.1); short protein forms A1840P.
Identifiers: ClinVar variation 2821341 (VCV002821341.3), dbSNP rs2488016051, ClinGen allele CA371321788.